The following is an entry in ClinVar:

ClinVar aggregate classification (germline): Uncertain significance. Review status: criteria provided, multiple submitters, no conflicts (2 of 4 stars). 3 submissions from 3 submitters: Uncertain significance (3). Last evaluated 2024-02-14.

Conditions:
Inborn genetic diseases. Identifiers: MedGen C0950123, MeSH D030342.
C3 glomerulonephritis. Also called: C3 GLOMERULOPATHY 3; Nephropathy due to CFHR5 Deficiency. Identifiers: Orphanet 329931, MedGen C4055342, MONDO:0013892, OMIM 614809.

Allele frequency attached by ClinVar (database versions not stated): ExAC 0.00002.
gnomAD v4.1: 69 of 1,613,530 alleles (0.0043%); highest among the groups gnomAD compares: East Asian, 0.0089%; no homozygotes.

Submissions (3):

Women's Health and Genetics/Laboratory Corporation of America, LabCorp
Classification: Uncertain significance. Last evaluated: 2024-02-14. Review status: criteria provided, single submitter. Criteria: LabCorp Variant Classification Summary - May 2015. Collection method: clinical testing. Allele origin: germline.
Comment: Variant summary: CFHR5 c.394C>T (p.Arg132Trp) results in a non-conservative amino acid change located in the Sushi/SCR/CCP domain (IPR000436) of the encoded protein sequence. Three of five in-silico tools predict a damaging effect of the variant on protein function. The variant allele was found at a frequency of 4e-05 in 251246 control chromosomes (gnomAD). To our knowledge, no occurrence of c.394C>T in individuals affected with CFHR5 Deficiency and no experimental evidence demonstrating its impact on protein function have been reported. No submitters have cited clinical-significance assessments for this variant to ClinVar. Based on the evidence outlined above, the variant was classified as uncertain significance.

Fulgent Genetics
Classification: Uncertain significance for C3 glomerulonephritis. Last evaluated: 2024-01-09. Review status: criteria provided, single submitter. Criteria: ACMG Guidelines, 2015. Collection method: clinical testing. Allele origin: germline.

Ambry Genetics
Classification: Uncertain significance for Inborn genetic diseases. Last evaluated: 2023-12-27. Review status: criteria provided, single submitter. Criteria: Ambry Variant Classification Scheme 2023. Collection method: clinical testing. Allele origin: germline.

NM_030787.4(CFHR5):c.394C>T (p.Arg132Trp)

Gene: CFHR5 (complement factor H related 5; plus strand). Cytogenetic location: 1q31.3.
Variant type: single nucleotide variant.
Coding change: c.394C>T on transcript NM_030787.4 (MANE Select); coding-DNA position 394, C replaced by T.
Protein change: p.Arg132Trp; replaces arginine 132 with tryptophan.
Molecular consequence: missense variant.
Genome position (GRCh38, 1-based): chr1:196,984,101, C>T. VCF-style: chr1-196984101-C-T. GRCh37 (hg19) VCF-style: chr1-196953231-C-T.
Other names: short protein forms R132W.
Identifiers: ClinVar variation 3068775 (VCV003068775.4), dbSNP rs758371568, ClinGen allele CA1307717.